The following is an entry in ClinVar:

NM_001308093.3(GATA4):c.43C>T (p.Pro15Ser)

Gene: GATA4 (GATA binding protein 4). Cytogenetic location: 8p23.1.
Variant type: single nucleotide variant.
Coding change: c.43C>T on transcript NM_001308093.3 (MANE Select); coding-DNA position 43, C replaced by T.
Protein change: p.Pro15Ser; replaces proline 15 with serine.
Molecular consequence: missense variant. On other transcripts: intron variant (3).
Genome position (GRCh38, 1-based): chr8:11,708,355, C>T. VCF-style: chr8-11708355-C-T. GRCh37 (hg19) VCF-style: chr8-11565864-C-T.
Other names: c.43C>T, p.Pro15Ser (NM_002052.5); c.-6+7577C>T (NM_001308094.2); c.-3+341C>T (NM_001374274.1); c.-3+4051C>T (NM_001374273.1); short protein forms P15S.
Identifiers: ClinVar variation 1013870 (VCV001013870.8), dbSNP rs1799990782, ClinGen allele CA370308599.

ClinVar aggregate classification (germline): Uncertain significance (1 of 4 stars; one submission).

Conditions:
Atrioventricular septal defect 4 (AVSD4). Identifiers: MedGen C3280781, MONDO:0013747, OMIM 614430.

Submission:

Labcorp Genetics (formerly Invitae), Labcorp
Classification: Uncertain significance for Atrioventricular septal defect 4. Last evaluated: 2022-03-23. Review status: criteria provided, single submitter. Criteria: Invitae Variant Classification Sherloc (09022015). Collection method: clinical testing. Allele origin: germline.
Comment: In summary, the available evidence is currently insufficient to determine the role of this variant in disease. Therefore, it has been classified as a Variant of Uncertain Significance. Algorithms developed to predict the effect of missense changes on protein structure and function (SIFT, PolyPhen-2, Align-GVGD) all suggest that this variant is likely to be tolerated. ClinVar contains an entry for this variant (Variation ID: 1013870). This variant has not been reported in the literature in individuals affected with GATA4-related conditions. This variant is not present in population databases (gnomAD no frequency). This sequence change replaces proline, which is neutral and non-polar, with serine, which is neutral and polar, at codon 15 of the GATA4 protein (p.Pro15Ser).